The following is an entry in ClinVar:

NM_152564.5(VPS13B):c.3394G>T (p.Glu1132Ter)

Gene: VPS13B (vacuolar protein sorting 13 homolog B; plus strand). Cytogenetic location: 8q22.2.
Variant type: single nucleotide variant.
Coding change: c.3394G>T on transcript NM_152564.5 (MANE Select); coding-DNA position 3394, G replaced by T.
Protein change: p.Glu1132Ter; replaces glutamic acid 1132 with a stop codon.
Molecular consequence: nonsense.
Genome position (GRCh38, 1-based): chr8:99,442,584, G>T. VCF-style: chr8-99442584-G-T. GRCh37 (hg19) VCF-style: chr8-100454812-G-T.
Other names: c.3394G>T, p.Glu1132Ter (NM_017890.5); short protein forms E1132*.
Identifiers: ClinVar variation 2013059 (VCV002013059.5), dbSNP rs2490163288, ClinGen allele CA371871047.

ClinVar aggregate classification (germline): Pathogenic. Review status: criteria provided, multiple submitters, no conflicts (2 of 4 stars). 2 submissions from 2 submitters: Pathogenic (2). Last evaluated 2024-05-08.

Conditions:
Cohen syndrome (COH1). Also called: Cutis verticis gyrata, retinitis pigmentosa, and sensorineural deafness; PEPPER SYNDROME. Identifiers: Orphanet 193, MedGen C0265223, MONDO:0008999, OMIM 216550.

Submissions (2):

Myriad Genetics, Inc.
Classification: Pathogenic for Cohen syndrome. Last evaluated: 2024-05-08. Review status: criteria provided, single submitter. Criteria: Myriad Autosomal Dominant, Autosomal Recessive and X-Linked Classification Criteria (2023). Collection method: clinical testing. Allele origin: unknown.
Comment: NM_017890.4(VPS13B):c.3394G>T(E1132*) is expected to be pathogenic in the context of Cohen syndrome. This variant is predicted to lead to an abnormal or absent protein product due to the creation of a premature termination codon in VPS13B, a gene where loss-of-function variants are known to be pathogenic. Please note: this variant was assessed in the context of healthy population screening.

Labcorp Genetics (formerly Invitae), Labcorp
Classification: Pathogenic for Cohen syndrome. Last evaluated: 2022-07-01. Review status: criteria provided, single submitter. Criteria: Invitae Variant Classification Sherloc (09022015). Collection method: clinical testing. Allele origin: germline.
Comment: For these reasons, this variant has been classified as Pathogenic. This variant has not been reported in the literature in individuals affected with VPS13B-related conditions. This variant is not present in population databases (gnomAD no frequency). This sequence change creates a premature translational stop signal (p.Glu1132*) in the VPS13B gene. It is expected to result in an absent or disrupted protein product. Loss-of-function variants in VPS13B are known to be pathogenic (PMID: 15141358, 16648375, 20461111).

Literature cited by the submitters: PubMed 15141358 (cited by Labcorp Genetics (formerly Invitae), Labcorp); PubMed 16648375 (cited by Labcorp Genetics (formerly Invitae), Labcorp); PubMed 20461111 (cited by Labcorp Genetics (formerly Invitae), Labcorp).